The following is an entry in ClinVar:

ClinVar aggregate classification (germline): Conflicting classifications of pathogenicity. Review status: criteria provided, conflicting classifications (1 of 4 stars). 9 submissions from 9 submitters: Uncertain significance (1); Likely benign (7). 1 of the submissions does not count toward it. Last evaluated 2026-01-25.

Conditions:
NBN-related disorder. Also called: NBN-related condition.
Hereditary cancer-predisposing syndrome. Also called: Tumor predisposition; Hereditary Cancer Syndrome; Hereditary neoplastic syndrome; Neoplastic Syndromes, Hereditary. Identifiers: Orphanet 140162, MedGen C0027672, MeSH D009386, MONDO:0015356.
Microcephaly, normal intelligence and immunodeficiency (NBS). Also called: IMMUNODEFICIENCY, MICROCEPHALY, AND CHROMOSOMAL INSTABILITY; SEEMANOVA SYNDROME II; Nijmegen breakage syndrome; Microcephaly with normal intelligence immunodeficiency and lymphoreticular malignancies; Nonsyndromal microcephaly autosomal recessive with normal intelligence; Seemanova syndrome 2. Identifiers: Orphanet 647, MedGen C0398791, MONDO:0009623, OMIM 251260.

Allele frequency attached by ClinVar (database versions not stated): gnomAD exomes 0.00002; TOPMed 0.00003; ExAC 0.00001; gnomAD 0.00002.
gnomAD v4.1: 15 of 1,613,744 alleles (0.00093%); highest among the groups gnomAD compares: African/African-American, 0.011%; no homozygotes.

Submissions (9):

Labcorp Genetics (formerly Invitae), Labcorp
Classification: Likely benign for Microcephaly, normal intelligence and immunodeficiency. Last evaluated: 2026-01-25. Review status: criteria provided, single submitter. Criteria: Invitae Variant Classification Sherloc (09022015). Collection method: clinical testing. Allele origin: germline.

Quest Diagnostics Nichols Institute San Juan Capistrano
Classification: Likely benign. Last evaluated: 2023-06-28. Review status: criteria provided, single submitter. Criteria: Quest Diagnostics criteria. Collection method: clinical testing. Allele origin: unknown.

Sema4
Classification: Likely benign for Hereditary cancer-predisposing syndrome. Last evaluated: 2022-01-12. Review status: criteria provided, single submitter. Criteria: Sema4 Curation Guidelines. Collection method: curation. Allele origin: germline.

Genome-Nilou Lab
Classification: Likely benign for Microcephaly, normal intelligence and immunodeficiency. Last evaluated: 2021-11-07. Review status: criteria provided, single submitter. Criteria: ACMG Guidelines, 2015. Collection method: clinical testing. Allele origin: germline. Affected: no.

GeneDx
Classification: Likely benign. Last evaluated: 2019-07-22. Review status: criteria provided, single submitter. Criteria: GeneDx Variant Classification Process June 2021. Collection method: clinical testing. Allele origin: germline. Affected: yes.

Mendelics
Classification: Likely benign for Microcephaly, normal intelligence and immunodeficiency. Last evaluated: 2019-05-28. Review status: criteria provided, single submitter. Criteria: Mendelics Assertion Criteria 2017. Collection method: clinical testing. Allele origin: unknown.

Eurofins Ntd Llc (ga)
Classification: Uncertain significance. Last evaluated: 2018-05-17. Review status: criteria provided, single submitter. Criteria: EGL ClinVar v180209 classification definitions. Collection method: clinical testing. Allele origin: germline. Observed: 1 variant allele, 1 heterozygote.

Ambry Genetics
Classification: Likely benign for Hereditary cancer-predisposing syndrome. Last evaluated: 2015-10-11. Review status: criteria provided, single submitter. Criteria: Ambry Variant Classification Scheme 2023. Collection method: clinical testing. Allele origin: germline.

PreventionGenetics, part of Exact Sciences
Classification: Likely benign for NBN-related condition. Last evaluated: 2021-12-24. Review status: no assertion criteria provided. Collection method: clinical testing. Allele origin: germline. Not counted in ClinVar's aggregate classification.
Comment: This variant is classified as likely benign based on ACMG/AMP sequence variant interpretation guidelines (Richards et al. 2015 PMID: 25741868, with internal and published modifications).

NM_002485.5(NBN):c.120G>T (p.Ser40=)

Gene: NBN (nibrin; minus strand). Cytogenetic location: 8q21.3.
Variant type: single nucleotide variant.
Coding change: c.120G>T on transcript NM_002485.5 (MANE Select); coding-DNA position 120, G replaced by T.
Protein change: p.Ser40=; no amino-acid change (serine 40 retained).
Molecular consequence: synonymous variant. On other transcripts: 5 prime UTR variant (1).
Genome position (GRCh38, 1-based): chr8:89,982,773, C>A on the plus strand (G>T on the coding strand, the complement: NBN is on the minus strand). VCF-style: chr8-89982773-C-A. GRCh37 (hg19) VCF-style: chr8-90995001-C-A.
Other names: c.-177G>T (NM_001024688.3).
Identifiers: ClinVar variation 184454 (VCV000184454.30), dbSNP rs774989816, ClinGen allele CA189008.